The following is an entry in ClinVar:

ClinVar aggregate classification (germline): Conflicting classifications of pathogenicity. Review status: criteria provided, conflicting classifications (1 of 4 stars). 3 submissions from 3 submitters: Uncertain significance (2); Likely benign (1). Last evaluated 2025-08-19.

Conditions:
Inborn genetic diseases. Identifiers: MedGen C0950123, MeSH D030342.
PUS1-related disorder. Also called: PUS1-related condition.

Allele frequency attached by ClinVar (database versions not stated): ESP Exome Variant Server 0.00023; ExAC 0.00006; gnomAD 0.00015; 1000 Genomes Project 30x 0.00016; 1000 Genomes Project 0.00020; TOPMed 0.00020.
gnomAD v4.1: 68 of 1,614,182 alleles (0.0042%); highest among the groups gnomAD compares: African/African-American, 0.041%; no homozygotes.

Submissions (3):

PreventionGenetics, part of Exact Sciences
Classification: Uncertain significance for PUS1-related condition. Last evaluated: 2025-08-19. Review status: criteria provided, single submitter. Criteria: ACMG Guidelines, 2015. Collection method: clinical testing. Allele origin: germline.
Comment: The PUS1 c.829C>A variant is predicted to result in the amino acid substitution p.Leu277Met. To our knowledge, this variant has not been reported in the literature. This variant is reported in 0.052% of alleles in individuals of African descent in gnomAD. At this time, the clinical significance of this variant is uncertain due to the absence of conclusive functional and genetic evidence.

Labcorp Genetics (formerly Invitae), Labcorp
Classification: Uncertain significance. Last evaluated: 2022-07-13. Review status: criteria provided, single submitter. Criteria: Invitae Variant Classification Sherloc (09022015). Collection method: clinical testing. Allele origin: germline.
Comment: This sequence change replaces leucine, which is neutral and non-polar, with methionine, which is neutral and non-polar, at codon 277 of the PUS1 protein (p.Leu277Met). This variant is present in population databases (rs149324363, gnomAD 0.06%). This variant has not been reported in the literature in individuals affected with PUS1-related conditions. Algorithms developed to predict the effect of missense changes on protein structure and function output the following: SIFT: "Tolerated"; PolyPhen-2: "Benign"; Align-GVGD: "Class C0". The methionine amino acid residue is found in multiple mammalian species, which suggests that this missense change does not adversely affect protein function. In summary, the available evidence is currently insufficient to determine the role of this variant in disease. Therefore, it has been classified as a Variant of Uncertain Significance.

Ambry Genetics
Classification: Likely benign for Inborn genetic diseases. Last evaluated: 2021-07-09. Review status: criteria provided, single submitter. Criteria: Ambry Variant Classification Scheme 2023. Collection method: clinical testing. Allele origin: germline.

NM_025215.6(PUS1):c.829C>A (p.Leu277Met)

Gene: PUS1 (pseudouridine synthase 1; plus strand). Cytogenetic location: 12q24.33.
Variant type: single nucleotide variant.
Coding change: c.829C>A on transcript NM_025215.6 (MANE Select); coding-DNA position 829, C replaced by A.
Protein change: p.Leu277Met; replaces leucine 277 with methionine.
Molecular consequence: missense variant.
Genome position (GRCh38, 1-based): chr12:131,941,576, C>A. VCF-style: chr12-131941576-C-A. GRCh37 (hg19) VCF-style: chr12-132426121-C-A.
Other names: c.745C>A, p.Leu249Met (NM_001002019.3, NM_001002020.3); c.829C>A (NM_025215.5); short protein forms L277M, L249M.
Identifiers: ClinVar variation 2200584 (VCV002200584.3), dbSNP rs149324363, ClinGen allele CA6884248.